The following is an entry in ClinVar:

NM_001365951.3(KIF1B):c.4550_4551del (p.Arg1517fs)

Gene: KIF1B (kinesin family member 1B; plus strand). Cytogenetic location: 1p36.22.
Variant type: Microsatellite.
Coding change: c.4550_4551del on transcript NM_001365951.3 (MANE Select); coding-DNA positions 4550 to 4551, 2 bases deleted (GA; older notation c.4550_4551delGA).
Protein change: p.Arg1517fs; shifts the reading frame from arginine 1517.
Molecular consequence: frameshift variant.
Genome position (GRCh38, 1-based): chr1:10,365,446-10,365,447, GA deleted; deleting any 2 consecutive bases within chr1:10,365,442-10,365,447 gives the same sequence; the c. name uses the placement nearest the transcript's 3' end. VCF-style (leftmost placement, unchanged base first): chr1-10365441-TGA-T. GRCh37 (hg19) VCF-style: chr1-10425499-TGA-T.
Other names: c.4550_4551del, p.Arg1517fs (NM_001365952.1); c.4412_4413del, p.Arg1471fs (NM_015074.3); c.4412_4413delGA (NM_015074.3); short protein forms R1471fs, R1517fs.
Identifiers: ClinVar variation 1740409 (VCV001740409.2), dbSNP rs2521913930, ClinGen allele CA2580611128.
Genomic context (GRCh38, chr1:10,365,441, plus strand): 5'-GCTATAGCAGTAGTATTGATCTTCTCAGGTGGAAAAAACCCGCCACTTTTTGCTGCTGCG[TGA>T]GAGACTTGGTGACAGCATCCCCAAATCCCTGAGCGACTCGTTATCCCCCAGCCTCAGCAG-3'

ClinVar aggregate classification (germline): Uncertain significance (1 of 4 stars; one submission).

Submission:

Ambry Genetics
Classification: Uncertain significance. Last evaluated: 2022-04-01. Review status: criteria provided, single submitter. Criteria: Ambry Variant Classification Scheme 2023. Collection method: clinical testing. Allele origin: germline.
Comment: The c.4412_4413delGA variant, located in coding exon 40 of the KIF1B gene, results from a deletion of two nucleotides at nucleotide positions 4412 to 4413, causing a translational frameshift with a predicted alternate stop codon (p.R1471Tfs*3). This alteration is expected to result in premature protein truncation or nonsense-mediated mRNA decay. However, loss of function of KIF1B has not been clearly established as a mechanism of disease. Since supporting evidence is limited at this time, the clinical significance of this alteration remains unclear.